The following is an entry in ClinVar:

ClinVar aggregate classification (germline): Benign. Review status: criteria provided, multiple submitters, no conflicts (2 of 4 stars). 4 submissions from 4 submitters: Benign (4). Last evaluated 2024-07-31.

Conditions:
Epilepsy, familial focal, with variable foci 3 (FFEVF3). Identifiers: MedGen C4310708, MONDO:0014925, OMIM 617118.

Allele frequency attached by ClinVar (database versions not stated): 1000 Genomes Project 0.85264; 1000 Genomes Project 30x 0.85400; gnomAD 0.87651 and 0.87694; TOPMed 0.87807.

Submissions (4):

Unidad de Genómica Garrahan, Hospital de Pediatría Garrahan
Classification: Benign. Last evaluated: 2024-07-31. Review status: criteria provided, single submitter. Criteria: ACMG Guidelines, 2015. Collection method: clinical testing. Allele origin: germline. Affected: no. Observed: 92 variant alleles.
Comment: This variant is classified as Benign based on local population frequency. This variant was detected in 99% of patients studied in a panel designed for Epileptic and Developmental Encephalopathy, Progressive Myoclonus Epilepsy and Abnormal Movements and Neurodegeneration with brain iron accumulation. Number of patients: 92. Only high quality variants are reported.

Genome-Nilou Lab
Classification: Benign for Epilepsy, familial focal, with variable foci 3. Last evaluated: 2021-07-14. Review status: criteria provided, single submitter. Criteria: ACMG Guidelines, 2015. Collection method: clinical testing. Allele origin: germline. Affected: no.

GeneDx
Classification: Benign. Last evaluated: 2018-07-15. Review status: criteria provided, single submitter. Criteria: GeneDx Variant Classification Process June 2021. Collection method: clinical testing. Allele origin: germline. Affected: yes.

Breakthrough Genomics
Classification: Benign. Review status: criteria provided, single submitter. Criteria: ACMG Guidelines, 2015. Collection method: not provided. Allele origin: germline. Inheritance: Autosomal dominant inheritance. Affected: yes.

NM_001077350.3(NPRL3):c.548-64A>G

Genes: HBA-LCR (alpha-globin locus control region; plus strand), NPRL3 (NPR3 like, GATOR1 complex subunit; minus strand). Cytogenetic location: 16p13.3.
Variant type: single nucleotide variant.
Coding change: c.548-64A>G on transcript NM_001077350.3 (MANE Select); 64 bases into the intron before coding-DNA position 548, A replaced by G.
Molecular consequence: intron variant.
Genome position (GRCh38, 1-based): chr16:110,670, T>C on the plus strand (A>G on the coding strand, the complement: NPRL3 is on the minus strand). VCF-style: chr16-110670-T-C. GRCh37 (hg19) VCF-style: chr16-160668-T-C.
Other names: c.314-64A>G (NM_001243247.2); c.473-64A>G (NM_001243248.2, NM_001243249.2); c.11-64A>G (NM_001039476.3).
Identifiers: ClinVar variation 1185373 (VCV001185373.7), dbSNP rs808892, ClinGen allele CA14235442.